The following is an entry in ClinVar:

ClinVar aggregate classification (germline): Pathogenic (1 of 4 stars; one submission).

Submission:

Illumina Laboratory Services, Illumina
Classification: Pathogenic. Last evaluated: 2019-06-19. Review status: criteria provided, single submitter. Criteria: ICSL CNVClassificationCriteria Jul2020Prior. Collection method: clinical testing. Allele origin: unknown.
Comment: This CNV is a 2.6 Mb duplication of 22q11.2, on chromosome 22, (seq[GRCh37]dup(22)(q11.2); chr22:g.18841374_21465101dup) of unknown inheritance. This CNV constitutes a gain encompassing over 40 genes including the TBX1 gene. Altered TBX1 protein levels are associated with congenital heart defects in mouse, including malformation of the cardiac outflow tract (Hasten et al. 2018). This CNV overlaps the well-described chromosome 22q11.2 duplication syndrome which has an estimated prevalence of 1 in 700 in a population of individuals ascertained for delay/intellectual disability, and has been reported in at least 235 probands but not reported in controls (Firth et al. 2013; Hasten et al. 2018). The chromosome 22q11.2 duplication syndrome either occurs de novo or is inherited in an autosomal dominant pattern either as a 1.5 Mb or 3 Mb tandem duplication thought to arise by nonallelic homologous recombination between low-copy repeat sequences. Penetrance is incomplete and the variant is often inherited from an unaffected parent (Firth et al. 2013). Phenotypes of affected individuals generally appear to be mild and highly variable with findings ranging from apparently normal to intellectual disability, delayed psychomotor development, growth retardation, and muscular hypotonia. Additionally, a range of dysmorphic features have been observed, including hypertelorism, broad flat nose, micrognathia, velopharyngeal insufficiency, dysplastic ears, epicanthal folds (42%), and downslanting palpebral fissures. Visual and hearing impairment, seizures, microcephaly, ptosis, spontaneous pneumothorax, skeletal defects and urogenital abnormalities have also been reported (Firth et al. 2013). Congenital heart defects are present in 25% of affected individuals (Hasten et al. 2018), with the congenital heart defects observed affected individuals carrying the CNV overlapping those found in the proband, specifically tetralogy of Fallot, pulmonary valve and artery stenosis and mitral valve stenosis. Based on the collective evidence, this CNV is classified as pathogenic.

Literature cited by the submitters: PubMed 19254783; PubMed 20301749; PubMed 29509905.

GRCh37/hg19 22q11.21(chr22:18841374-21465101)x3

Genes: AIFM3 (AIF family member 3; plus strand), ARVCF (ARVCF delta catenin family member; minus strand), C22orf39 (chromosome 22 open reading frame 39; minus strand), CDC45 (cell division cycle 45; plus strand), CLDN5 (claudin 5; minus strand) and 42 more. Cytogenetic location: 22q11.21.
Variant type: copy number gain.
Change: copy number 3 (three copies instead of two) of chr22:18,841,374-21,465,101 (2.62 Mb, GRCh37 coordinates, 1-based), cytogenetic band 22q11.21.
Identifiers: ClinVar variation 1180537 (VCV001180537.4).